The following is an entry in ClinVar:

NM_003073.5(SMARCB1):c.193G>T (p.Ala65Ser)

Gene: SMARCB1 (SWI/SNF related BAF chromatin remodeling complex subunit B1; plus strand). Cytogenetic location: 22q11.23.
Variant type: single nucleotide variant.
Coding change: c.193G>T on transcript NM_003073.5 (MANE Select); coding-DNA position 193, G replaced by T.
Protein change: p.Ala65Ser; replaces alanine 65 with serine.
Molecular consequence: missense variant.
Genome position (GRCh38, 1-based): chr22:23,791,855, G>T. VCF-style: chr22-23791855-G-T. GRCh37 (hg19) VCF-style: chr22-24134042-G-T.
Other names: c.193G>T, p.Ala65Ser (NM_001007468.3, NM_001317946.2, NM_001362877.2); c.193G>T (LRG_520t1); short protein forms A65S.
Identifiers: ClinVar variation 532965 (VCV000532965.9), dbSNP rs1555875920, ClinGen allele CA410932992.

ClinVar aggregate classification (germline): Uncertain significance. Review status: criteria provided, multiple submitters, no conflicts (2 of 4 stars). 2 submissions from 2 submitters: Uncertain significance (2). Last evaluated 2025-03-31.

Conditions:
Hereditary cancer-predisposing syndrome. Also called: Hereditary neoplastic syndrome; Neoplastic Syndromes, Hereditary; Tumor predisposition; Hereditary Cancer Syndrome. Identifiers: Orphanet 140162, MedGen C0027672, MeSH D009386, MONDO:0015356.

Allele frequency attached by ClinVar (database versions not stated): gnomAD exomes 0.00001.
gnomAD v4.1: 9 of 1,614,128 alleles (0.00056%); highest among the groups gnomAD compares: Non-Finnish European, 0.00076%; no homozygotes.

Submissions (2):

Ambry Genetics
Classification: Uncertain significance for Hereditary cancer-predisposing syndrome. Last evaluated: 2025-03-31. Review status: criteria provided, single submitter. Criteria: Ambry Variant Classification Scheme 2023. Collection method: clinical testing. Allele origin: germline.
Comment: The p.A65S variant (also known as c.193G>T), located in coding exon 2 of the SMARCB1 gene, results from a G to T substitution at nucleotide position 193. The alanine at codon 65 is replaced by serine, an amino acid with similar properties. This amino acid position is well conserved in available vertebrate species. In addition, the in silico prediction for this alteration is inconclusive. Based on the available evidence, the clinical significance of this variant remains unclear.

Labcorp Genetics (formerly Invitae), Labcorp
Classification: Uncertain significance. Last evaluated: 2024-11-04. Review status: criteria provided, single submitter. Criteria: Invitae Variant Classification Sherloc (09022015). Collection method: clinical testing. Allele origin: germline.
Comment: This sequence change replaces alanine, which is neutral and non-polar, with serine, which is neutral and polar, at codon 65 of the SMARCB1 protein (p.Ala65Ser). This variant is not present in population databases (gnomAD no frequency). This variant has not been reported in the literature in individuals affected with SMARCB1-related conditions. ClinVar contains an entry for this variant (Variation ID: 532965). An algorithm developed to predict the effect of missense changes on protein structure and function (PolyPhen-2) suggests that this variant is likely to be tolerated. In summary, the available evidence is currently insufficient to determine the role of this variant in disease. Therefore, it has been classified as a Variant of Uncertain Significance.